The following is an entry in ClinVar:

ClinVar aggregate classification (germline): Likely benign. Review status: criteria provided, multiple submitters, no conflicts (2 of 4 stars). 2 submissions from 2 submitters: Likely benign (2). Last evaluated 2026-06-05.

Conditions:
MYBPC3-related disorder. Also called: MYBPC3-related disorders; MYBPC3-related condition; MYBPC3-related disease.

gnomAD v4.1: 32 of 1,605,960 alleles (0.002%); highest among the groups gnomAD compares: Middle Eastern, 0.017%; no homozygotes.

Submissions (2):

PreventionGenetics, part of Exact Sciences
Classification: Likely benign for MYBPC3-related condition. Last evaluated: 2026-06-05. Review status: criteria provided, single submitter. Criteria: ACMG Guidelines, 2015. Collection method: clinical testing. Allele origin: germline.
Comment: This variant is classified as likely benign based on ACMG/AMP sequence variant interpretation guidelines (Richards et al. 2015 PMID: 25741868, with internal and published modifications).

Blueprint Genetics
Classification: Likely benign. Last evaluated: 2023-09-11. Review status: criteria provided, single submitter. Criteria: ACMG Guidelines, 2015. Collection method: clinical testing. Allele origin: germline.

NM_000256.3(MYBPC3):c.1227-23A>C

Gene: MYBPC3 (myosin binding protein C3; minus strand). Cytogenetic location: 11p11.2.
Variant type: single nucleotide variant.
Coding change: c.1227-23A>C on transcript NM_000256.3 (MANE Select); 23 bases into the intron before coding-DNA position 1227, A replaced by C.
Molecular consequence: intron variant.
Genome position (GRCh38, 1-based): chr11:47,343,168, T>G on the plus strand (A>C on the coding strand, the complement: MYBPC3 is on the minus strand). VCF-style: chr11-47343168-T-G. GRCh37 (hg19) VCF-style: chr11-47364719-T-G.
Identifiers: ClinVar variation 4911578 (VCV004911578.2).